The following is an entry in ClinVar:

ClinVar aggregate classification (germline): Uncertain significance (1 of 4 stars; one submission).

Conditions:
Mitochondrial trifunctional protein deficiency. Identifiers: Orphanet 746, MedGen C1969443, MONDO:0012172.

Allele frequency attached by ClinVar (database versions not stated): gnomAD exomes below 0.00001; TOPMed 0.00001.
gnomAD v4.1: 1 of 1,608,110 alleles (0.000062%); highest among the groups gnomAD compares: Non-Finnish European, 0.000085%; no homozygotes.

Submission:

Labcorp Genetics (formerly Invitae), Labcorp
Classification: Uncertain significance for Mitochondrial trifunctional protein deficiency. Last evaluated: 2021-10-19. Review status: criteria provided, single submitter. Criteria: Invitae Variant Classification Sherloc (09022015). Collection method: clinical testing. Allele origin: germline.
Comment: This sequence change replaces lysine with asparagine at codon 348 of the HADHB protein (p.Lys348Asn). The lysine residue is highly conserved and there is a moderate physicochemical difference between lysine and asparagine. This variant is not present in population databases (ExAC no frequency). This variant has not been reported in the literature in individuals affected with HADHB-related conditions. Algorithms developed to predict the effect of missense changes on protein structure and function are either unavailable or do not agree on the potential impact of this missense change (SIFT: "Deleterious"; PolyPhen-2: "Probably Damaging"; Align-GVGD: "Class C15"). In summary, the available evidence is currently insufficient to determine the role of this variant in disease. Therefore, it has been classified as a Variant of Uncertain Significance.

NM_000183.3(HADHB):c.1044A>C (p.Lys348Asn)

Gene: HADHB (hydroxyacyl-CoA dehydrogenase trifunctional multienzyme complex subunit beta; plus strand). Cytogenetic location: 2p23.3.
Variant type: single nucleotide variant.
Coding change: c.1044A>C on transcript NM_000183.3 (MANE Select); coding-DNA position 1044, A replaced by C.
Protein change: p.Lys348Asn; replaces lysine 348 with asparagine.
Molecular consequence: missense variant.
Genome position (GRCh38, 1-based): chr2:26,283,034, A>C. VCF-style: chr2-26283034-A-C. GRCh37 (hg19) VCF-style: chr2-26505902-A-C.
Other names: c.999A>C, p.Lys333Asn (NM_001281512.2); c.978A>C, p.Lys326Asn (NM_001281513.2); short protein forms K333N, K348N, K326N.
Identifiers: ClinVar variation 1493546 (VCV001493546.3), dbSNP rs1038882025, ClinGen allele CA44340196.
Genomic context (GRCh38, chr2:26,283,034, plus strand): 5'-CAAAGCTCACCTCTCTATTTTTTTACCTAGGGATTTTATGTATGTGTCTCAGGATCCAAA[A>C]GATCAACTATTACTTGGGTAGGTAGCAGTTTGTATCCTTGGACTATAATCACAAGTATTT-3'
Protein context (NP_000174.1, residues 338-358): RDFMYVSQDP[Lys348Asn]DQLLLGPTYA